The following is an entry in ClinVar:

ClinVar aggregate classification (germline): Likely benign (1 of 4 stars; one submission).

Submission:

Mayo Clinic Laboratories, Mayo Clinic
Classification: Likely benign. Last evaluated: 2025-08-25. Review status: criteria provided, single submitter. Criteria: ACMG Guidelines, 2015. Collection method: clinical testing. Allele origin: germline. Observed: 1 variant allele.
Comment: BP4, BP7

NM_000528.4(MAN2B1):c.910-18C>T

Gene: MAN2B1 (mannosidase alpha class 2B member 1; minus strand). Cytogenetic location: 19p13.13.
Variant type: single nucleotide variant.
Coding change: c.910-18C>T on transcript NM_000528.4 (MANE Select); 18 bases into the intron before coding-DNA position 910, C replaced by T.
Molecular consequence: intron variant.
Genome position (GRCh38, 1-based): chr19:12,661,394, G>A on the plus strand (C>T on the coding strand, the complement: MAN2B1 is on the minus strand). VCF-style: chr19-12661394-G-A. GRCh37 (hg19) VCF-style: chr19-12772208-G-A.
Other names: p.?; c.910-18C>T (NM_001173498.2, NM_001440570.1).
Identifiers: ClinVar variation 4684312 (VCV004684312.1).
Genomic context (GRCh38, chr19:12,661,394, plus strand): 5'-AGCCCATGGTCATCACAGTGTGGTTGGTGCGGTAATACCGGCCCTGCAGGCAAGAGGGGA[G>A]TCCTGAAGCCAGAGGATCCTGGGCCATCCCTGTGTATAGCTGTGTTTTGATGTATATGGG-3'